The following is an entry in ClinVar:

NM_001048174.2(MUTYH):c.844C>G (p.Gln282Glu)

Gene: MUTYH (mutY DNA glycosylase; minus strand). Cytogenetic location: 1p34.1.
Variant type: single nucleotide variant.
Coding change: c.844C>G on transcript NM_001048174.2 (MANE Select); coding-DNA position 844, C replaced by G.
Protein change: p.Gln282Glu; replaces glutamine 282 with glutamic acid.
Molecular consequence: missense variant. On other transcripts: non-coding transcript variant (7).
Genome position (GRCh38, 1-based): chr1:45,332,171, G>C on the plus strand (C>G on the coding strand, the complement: MUTYH is on the minus strand). VCF-style: chr1-45332171-G-C. GRCh37 (hg19) VCF-style: chr1-45797843-G-C.
Other names: c.877C>G, p.Gln293Glu (NM_001293191.2, NM_001407069.1, NM_001407077.1); c.568C>G, p.Gln190Glu (NM_001293192.2, NM_001293196.2, NM_001407091.1); c.844C>G, p.Gln282Glu (NM_001293195.2, NM_001407070.1, NM_001407088.1 and 6 more transcripts); c.499C>G, p.Gln167Glu (NM_001350650.2, NM_001350651.2, NM_001407082.1); c.847C>G, p.Gln283Glu (NM_001407071.1, NM_001407086.1, NM_001048172.2 and 1 more transcripts); c.886C>G, p.Gln296Glu (NM_001407085.1, NM_001407083.1); c.865C>G, p.Gln289Glu (NM_001407087.1); c.919C>G, p.Gln307Glu (NM_012222.3); and 5 more; short protein forms Q268E, Q289E, Q254E, Q190E, Q293E, Q296E, Q307E, Q310E.
Identifiers: ClinVar variation 4113912 (VCV004113912.1).

ClinVar aggregate classification (germline): Uncertain significance (1 of 4 stars; one submission).

Conditions:
Hereditary cancer-predisposing syndrome. Also called: Hereditary neoplastic syndrome; Neoplastic Syndromes, Hereditary; Tumor predisposition; Hereditary Cancer Syndrome. Identifiers: Orphanet 140162, MedGen C0027672, MeSH D009386, MONDO:0015356.

Submission:

Ambry Genetics
Classification: Uncertain significance for Hereditary cancer-predisposing syndrome. Last evaluated: 2025-08-27. Review status: criteria provided, single submitter. Criteria: Ambry Variant Classification Scheme 2023. Collection method: clinical testing. Allele origin: germline.
Comment: The p.Q310E variant (also known as c.928C>G), located in coding exon 10 of the MUTYH gene, results from a C to G substitution at nucleotide position 928. The glutamine at codon 310 is replaced by glutamic acid, an amino acid with highly similar properties. This amino acid position is conserved. In addition, the in silico prediction for this alteration is inconclusive. Based on the available evidence, the clinical significance of this variant remains unclear.